The following is an entry in ClinVar:

ClinVar aggregate classification (germline): Uncertain significance. Review status: criteria provided, multiple submitters, no conflicts (2 of 4 stars). 3 submissions from 3 submitters: Uncertain significance (3). Last evaluated 2025-05-28.

Conditions:
Inborn genetic diseases. Identifiers: MedGen C0950123, MeSH D030342.
Nephronophthisis. Also called: Juvenile Nephronophthisis. Identifiers: Orphanet 655, MedGen C0687120, MONDO:0019005, HP:0000090.

Allele frequency attached by ClinVar (database versions not stated): ExAC 0.00001; gnomAD 0.00001; gnomAD exomes 0.00001 and 0.00002.
gnomAD v4.1: 22 of 1,613,732 alleles (0.0014%); highest among the groups gnomAD compares: Admixed American, 0.0067%; no homozygotes.

Submissions (3):

Ambry Genetics
Classification: Uncertain significance for Inborn genetic diseases. Last evaluated: 2025-05-28. Review status: criteria provided, single submitter. Criteria: Ambry Variant Classification Scheme 2023. Collection method: clinical testing. Allele origin: germline.

Labcorp Genetics (formerly Invitae), Labcorp
Classification: Uncertain significance for Nephronophthisis. Last evaluated: 2021-08-27. Review status: criteria provided, single submitter. Criteria: Invitae Variant Classification Sherloc (09022015). Collection method: clinical testing. Allele origin: germline.
Comment: This sequence change replaces arginine with cysteine at codon 344 of the NPHP4 protein (p.Arg344Cys). The arginine residue is moderately conserved and there is a large physicochemical difference between arginine and cysteine. This variant is present in population databases (rs777428281, ExAC 0.01%). This variant has not been reported in the literature in individuals affected with NPHP4-related conditions. ClinVar contains an entry for this variant (Variation ID: 500412). Algorithms developed to predict the effect of missense changes on protein structure and function are either unavailable or do not agree on the potential impact of this missense change (SIFT: "Deleterious"; PolyPhen-2: "Probably Damaging"; Align-GVGD: "Class C0"). In summary, the available evidence is currently insufficient to determine the role of this variant in disease. Therefore, it has been classified as a Variant of Uncertain Significance.

Eurofins Ntd Llc (ga)
Classification: Uncertain significance. Last evaluated: 2017-02-07. Review status: criteria provided, single submitter. Criteria: EGL Classification Definitions 2015. Collection method: clinical testing. Allele origin: germline. Observed: 1 variant allele, 1 heterozygote.

NM_015102.5(NPHP4):c.1030C>T (p.Arg344Cys)

Gene: NPHP4 (nephrocystin 4; minus strand). Cytogenetic location: 1p36.31.
Variant type: single nucleotide variant.
Coding change: c.1030C>T on transcript NM_015102.5 (MANE Select); coding-DNA position 1030, C replaced by T.
Protein change: p.Arg344Cys; replaces arginine 344 with cysteine.
Molecular consequence: missense variant. On other transcripts: 5 prime UTR variant (2), non-coding transcript variant (1).
Genome position (GRCh38, 1-based): chr1:5,947,193, G>A on the plus strand (C>T on the coding strand, the complement: NPHP4 is on the minus strand). VCF-style: chr1-5947193-G-A. GRCh37 (hg19) VCF-style: chr1-6007253-G-A.
Other names: c.-337C>T (NM_001291593.2, NM_001291594.2); c.1030C>T (NM_015102.3); short protein forms R344C.
Identifiers: ClinVar variation 500412 (VCV000500412.7), dbSNP rs777428281, ClinGen allele CA554662.